The following is an entry in ClinVar:

NM_000231.3(SGCG):c.361del (p.Glu121fs)

Gene: SGCG (sarcoglycan gamma; plus strand). Cytogenetic location: 13q12.12.
Variant type: Deletion.
Coding change: c.361del on transcript NM_000231.3 (MANE Select); coding-DNA position 361, one base deleted (G; older notation c.361delG).
Protein change: p.Glu121fs; shifts the reading frame from glutamic acid 121.
Molecular consequence: frameshift variant.
Genome position (GRCh38, 1-based): chr13:23,250,693, G deleted; the last of 4 consecutive G bases (chr13:23,250,690-23,250,693); deleting any one gives the same sequence. VCF-style (leftmost placement, unchanged base first): chr13-23250689-AG-A. GRCh37 (hg19) VCF-style: chr13-23824828-AG-A.
Other names: c.415del, p.Glu139fs (NM_001378244.1); c.361del, p.Glu121fs (NM_001378245.1, NM_001378246.1); short protein forms E139fs, E121fs.
Identifiers: ClinVar variation 963697 (VCV000963697.9), dbSNP rs1879928532, ClinGen allele CA954039973.

ClinVar aggregate classification (germline): Pathogenic/Likely pathogenic. Review status: criteria provided, multiple submitters, no conflicts (2 of 4 stars). 2 submissions from 2 submitters: Pathogenic (1); Likely pathogenic (1). Last evaluated 2025-12-16.

Conditions:
Autosomal recessive limb-girdle muscular dystrophy type 2C (LGMDR5). Also called: MUSCULAR DYSTROPHY, DUCHENNE-LIKE; MUSCULAR DYSTROPHY, LIMB-GIRDLE, AUTOSOMAL RECESSIVE 5. Identifiers: Orphanet 353, MedGen C0410173, MONDO:0009677, OMIM 253700. Disease mechanism: Affects gamma-sarcoglycan and also disrupts the integrity of the entire sarcoglycan complex..

Submissions (2):

Natera, Inc.
Classification: Likely pathogenic for Limb-girdle muscular dystrophy type 2C. Last evaluated: 2025-12-16. Review status: criteria provided, single submitter. Criteria: Natera Variant Classification Schema (03/2026). Collection method: clinical testing. Allele origin: germline.
Comment: The c.361del variant in SGCG is a frameshift variant predicted to shift the reading frame beginning at codon 121 and leads to a stop codon 6 codons downstream. This variant is expected to result in nonsense mediated decay, truncation, or a dysfunctional protein product. This variant is rare in the general population with a frequency below the threshold expected for the associated phenotype(s). Given the available evidence, this variant is classified as Likely Pathogenic.

Labcorp Genetics (formerly Invitae), Labcorp
Classification: Pathogenic for Autosomal recessive limb-girdle muscular dystrophy type 2C. Last evaluated: 2022-06-20. Review status: criteria provided, single submitter. Criteria: Invitae Variant Classification Sherloc (09022015). Collection method: clinical testing. Allele origin: germline.
Comment: For these reasons, this variant has been classified as Pathogenic. ClinVar contains an entry for this variant (Variation ID: 963697). This variant has not been reported in the literature in individuals affected with SGCG-related conditions. This variant is not present in population databases (gnomAD no frequency). This sequence change creates a premature translational stop signal (p.Glu121Argfs*6) in the SGCG gene. It is expected to result in an absent or disrupted protein product. Loss-of-function variants in SGCG are known to be pathogenic (PMID: 18285821).

Literature cited by the submitters: PubMed 18285821 (cited by Labcorp Genetics (formerly Invitae), Labcorp).